The following is an entry in ClinVar:

ClinVar aggregate classification (germline): Conflicting classifications of pathogenicity. Review status: criteria provided, conflicting classifications (1 of 4 stars). 4 submissions from 4 submitters: Uncertain significance (2); Likely benign (2). Last evaluated 2026-06-15.

Conditions:
Polyps, multiple and recurrent inflammatory fibroid, gastrointestinal. Identifiers: MedGen C5193005, MONDO:0008285, OMIM 175510.
Hereditary cancer-predisposing syndrome. Also called: Neoplastic Syndromes, Hereditary; Hereditary neoplastic syndrome; Hereditary Cancer Syndrome; Tumor predisposition. Identifiers: Orphanet 140162, MedGen C0027672, MeSH D009386, MONDO:0015356.
Gastrointestinal stromal tumor. Also called: Gastrointestinal stromal tumor, somatic; Gastrointestinal stroma tumor. Identifiers: Orphanet 44890, MedGen C0238198, MeSH D046152, MONDO:0011719, OMIM 606764, HP:0100723.

Allele frequency attached by ClinVar (database versions not stated): gnomAD exomes 0.00002 and 0.00003; ExAC 0.00003; gnomAD 0.00003 and 0.00004; TOPMed 0.00005.
gnomAD v4.1: 42 of 1,613,954 alleles (0.0026%); highest among the groups gnomAD compares: African/African-American, 0.012%; 1 homozygote.

Submissions (4):

Myriad Genetics, Inc.
Classification: Likely benign for Polyps, multiple and recurrent inflammatory fibroid, gastrointestinal. Last evaluated: 2026-06-15. Review status: criteria provided, single submitter. Criteria: Myriad Autosomal Dominant, Autosomal Recessive and X-Linked Classification Criteria (2023). Collection method: clinical testing. Allele origin: unknown.
Comment: This variant is considered likely benign. This variant has been observed at a population frequency that is significantly greater than expected given the associated disease prevalence and penetrance.

Labcorp Genetics (formerly Invitae), Labcorp
Classification: Uncertain significance for Gastrointestinal stromal tumor. Last evaluated: 2026-01-06. Review status: criteria provided, single submitter. Criteria: Invitae Variant Classification Sherloc (09022015). Collection method: clinical testing. Allele origin: germline.
Comment: This sequence change replaces arginine, which is basic and polar, with glutamine, which is neutral and polar, at codon 479 of the PDGFRA protein (p.Arg479Gln). This variant is present in population databases (rs777341485, gnomAD 0.01%). This variant has not been reported in the literature in individuals affected with PDGFRA-related conditions. ClinVar contains an entry for this variant (Variation ID: 240308). Invitae Evidence Modeling of protein sequence and biophysical properties (such as structural, functional, and spatial information, amino acid conservation, physicochemical variation, residue mobility, and thermodynamic stability) indicates that this missense variant is not expected to disrupt PDGFRA protein function with a negative predictive value of 80%. In summary, the available evidence is currently insufficient to determine the role of this variant in disease. Therefore, it has been classified as a Variant of Uncertain Significance.

GeneDx
Classification: Uncertain significance. Last evaluated: 2024-02-28. Review status: criteria provided, single submitter. Criteria: GeneDx Variant Classification Process June 2021. Collection method: clinical testing. Allele origin: germline.
Comment: In silico analysis supports that this missense variant does not alter protein structure/function; Has not been previously published as pathogenic or benign to our knowledge

Ambry Genetics
Classification: Likely benign for Hereditary cancer-predisposing syndrome. Last evaluated: 2022-02-11. Review status: criteria provided, single submitter. Criteria: Ambry Variant Classification Scheme 2023. Collection method: clinical testing. Allele origin: germline.

NM_006206.6(PDGFRA):c.1436G>A (p.Arg479Gln)

Gene: PDGFRA (platelet derived growth factor receptor alpha; plus strand). Cytogenetic location: 4q12.
Variant type: single nucleotide variant.
Coding change: c.1436G>A on transcript NM_006206.6 (MANE Select); coding-DNA position 1436, G replaced by A.
Protein change: p.Arg479Gln; replaces arginine 479 with glutamine.
Molecular consequence: missense variant.
Genome position (GRCh38, 1-based): chr4:54,273,608, G>A. VCF-style: chr4-54273608-G-A. GRCh37 (hg19) VCF-style: chr4-55139775-G-A.
Other names: c.1436G>A, p.Arg479Gln (NM_001347827.2, NM_001347829.2); c.1511G>A, p.Arg504Gln (NM_001347828.2); c.1475G>A, p.Arg492Gln (NM_001347830.2); short protein forms R479Q, R504Q, R492Q.
Identifiers: ClinVar variation 240308 (VCV000240308.15), dbSNP rs777341485, ClinGen allele CA2922567.
Genomic context (GRCh38, chr4:54,273,608, plus strand): 5'-AAACTTCCTGGACTATTTTGGCCAACAATGTCTCAAACATCATCACGGAGATCCACTCCC[G>A]AGACAGGAGTACCGTGGAGGGCCGTGTGACTTTCGCCAAAGTGGAGGAGACCATCGCCGT-3'
Protein context (NP_006197.1, residues 469-489): VSNIITEIHS[Arg479Gln]DRSTVEGRVT